The following is an entry in ClinVar:

NM_001267550.2(TTN):c.73385_73386delinsC (p.Trp24462fs)

Genes: TTN (titin; minus strand), TTN-AS1 (TTN antisense RNA 1; plus strand). Cytogenetic location: 2q31.2.
Variant type: Indel.
Coding change: c.73385_73386delinsC on transcript NM_001267550.2 (MANE Select); coding-DNA positions 73385 to 73386, GG replaced by C.
Protein change: p.Trp24462fs; shifts the reading frame from tryptophan 24462.
Molecular consequence: frameshift variant.
Genome position (GRCh38, 1-based): chr2:178,572,746-178,572,747, CC replaced by G on the plus strand (GG replaced by C on the coding strand, the reverse complement: TTN is on the minus strand). VCF-style: chr2-178572746-CC-G. GRCh37 (hg19) VCF-style: chr2-179437473-CC-G.
Other names: c.68462_68463delinsC, p.Trp22821fs (NM_001256850.1); c.46190_46191delinsC, p.Trp15397fs (NM_003319.4); c.65681_65682delinsC, p.Trp21894fs (NM_133378.4); c.46565_46566delinsC, p.Trp15522fs (NM_133432.3); c.46766_46767delinsC, p.Trp15589fs (NM_133437.4); c.46190_46191delGGinsC (NM_003319.4); short protein forms W15397fs, W15522fs, W15589fs, W22821fs, W24462fs, W21894fs.
Identifiers: ClinVar variation 1741929 (VCV001741929.2), dbSNP rs2468551534, ClinGen allele CA2580064799.

ClinVar aggregate classification (germline): Likely pathogenic (1 of 4 stars; one submission).

Conditions:
Cardiovascular phenotype. Identifiers: MedGen CN230736.

Submission:

Ambry Genetics
Classification: Likely pathogenic for Cardiovascular phenotype. Last evaluated: 2021-09-14. Review status: criteria provided, single submitter. Criteria: Ambry Variant Classification Scheme 2023. Collection method: clinical testing. Allele origin: germline.
Comment: The c.46190_46191delGGinsC variant, located in coding exon 153 of the TTN gene, results from the deletion of two nucleotides and insertion of one nucleotide causing a translational frameshift with a predicted alternate stop codon (p.W15397Sfs*9). This exon is located in the A-band region of the N2-B isoform of the titin protein and is constitutively expressed in TTN transcripts (percent spliced in or PSI 100%). This variant is considered to be rare based on population cohorts in the Genome Aggregation Database (gnomAD). This alteration is expected to result in loss of function by premature protein truncation or nonsense-mediated mRNA decay. While truncating variants in TTN are present in 1-3% of the general population, truncating variants in the A-band are the most common cause of dilated cardiomyopathy (DCM) (Herman DS et al. N. Engl. J. Med., 2012 Feb;366:619-28; Roberts AM et al. Sci Transl Med, 2015 Jan;7:270ra6). TTN truncating variants encoded in constitutive exons (PSI >90%) have been found to be significantly associated with DCM regardless of their position in titin (Schafer S et al. Nat. Genet., 2017 01;49:46-53). As such, this alteration is classified as likely pathogenic.